The following is an entry in ClinVar:

NM_000059.4(BRCA2):c.1037A>G (p.Asn346Ser)

Gene: BRCA2 (BRCA2 DNA repair associated; plus strand). Cytogenetic location: 13q13.1.
Variant type: single nucleotide variant.
Coding change: c.1037A>G on transcript NM_000059.4 (MANE Select); coding-DNA position 1037, A replaced by G.
Protein change: p.Asn346Ser; replaces asparagine 346 with serine.
Molecular consequence: missense variant. On other transcripts: non-coding transcript variant (1), intron variant (1).
Genome position (GRCh38, 1-based): chr13:32,332,515, A>G. VCF-style: chr13-32332515-A-G. GRCh37 (hg19) VCF-style: chr13-32906652-A-G.
Other names: c.1037A>G, p.Asn346Ser (NM_001406719.1, NM_001406720.1, NM_001406721.1 and 1 more transcripts); c.424+1485A>G (NM_001406722.1); short protein forms N346S.
Identifiers: ClinVar variation 4802273 (VCV004802273.1).

ClinVar aggregate classification (germline): Uncertain significance (1 of 4 stars; one submission).

Conditions:
Hereditary breast ovarian cancer syndrome. Also called: Hereditary breast and ovarian cancer syndrome (HBOC); Hereditary breast and ovarian cancer; Breast and ovarian cancer; Hereditary breast and/or ovarian cancer syndrome; BRCA1- and BRCA2-Associated Hereditary Breast and Ovarian Cancer; Hereditary breast and ovarian cancer syndrome. Identifiers: Orphanet 145, MedGen C0677776, MeSH D061325, MONDO:0003582. Disease mechanism: loss of function.

gnomAD v4.1: 2 of 1,611,906 alleles (0.00012%); highest among the groups gnomAD compares: Non-Finnish European, 0.00017%; no homozygotes.

Submission:

Labcorp Genetics (formerly Invitae), Labcorp
Classification: Uncertain significance for Hereditary breast ovarian cancer syndrome. Last evaluated: 2025-09-08. Review status: criteria provided, single submitter. Criteria: Invitae Variant Classification Sherloc (09022015). Collection method: clinical testing. Allele origin: germline.
Comment: This sequence change replaces asparagine, which is neutral and polar, with serine, which is neutral and polar, at codon 346 of the BRCA2 protein (p.Asn346Ser). This variant is not present in population databases (gnomAD no frequency). This variant has not been reported in the literature in individuals affected with BRCA2-related conditions. Invitae Evidence Modeling of protein sequence and biophysical properties (such as structural, functional, and spatial information, amino acid conservation, physicochemical variation, residue mobility, and thermodynamic stability) indicates that this missense variant is not expected to disrupt BRCA2 protein function with a negative predictive value of 95%. In summary, the available evidence is currently insufficient to determine the role of this variant in disease. Therefore, it has been classified as a Variant of Uncertain Significance.